The following is an entry in ClinVar:

ClinVar aggregate classification (germline): Likely benign (0 of 4 stars; one submission).

Conditions:
ARMC5-related disorder. Also called: ARMC5-related condition.

gnomAD v4.1: 10 of 1,611,622 alleles (0.00062%); highest among the groups gnomAD compares: Non-Finnish European, 0.00076%; no homozygotes.

Submission:

PreventionGenetics, part of Exact Sciences
Classification: Likely benign for ARMC5-related condition. Last evaluated: 2024-04-25. Review status: no assertion criteria provided. Collection method: clinical testing. Allele origin: germline.
Comment: This variant is classified as likely benign based on ACMG/AMP sequence variant interpretation guidelines (Richards et al. 2015 PMID: 25741868, with internal and published modifications).

NM_001105247.2(ARMC5):c.2374C>T (p.Leu792=)

Gene: ARMC5 (armadillo repeat containing 5; plus strand). Cytogenetic location: 16p11.2.
Variant type: single nucleotide variant.
Coding change: c.2374C>T on transcript NM_001105247.2 (MANE Select); coding-DNA position 2374, C replaced by T.
Protein change: p.Leu792=; no amino-acid change (leucine 792 retained).
Molecular consequence: synonymous variant. On other transcripts: 3 prime UTR variant (1).
Genome position (GRCh38, 1-based): chr16:31,466,455, C>T. VCF-style: chr16-31466455-C-T. GRCh37 (hg19) VCF-style: chr16-31477776-C-T.
Other names: c.2659C>T, p.Leu887= (NM_001288767.2); c.2470C>T, p.Leu824= (NM_001301820.1); c.*1254C>T (NM_024742.2).
Identifiers: ClinVar variation 3355446 (VCV003355446.1).